The following is an entry in ClinVar:

ClinVar aggregate classification (germline): Uncertain significance. Review status: criteria provided, multiple submitters, no conflicts (2 of 4 stars). 2 submissions from 2 submitters: Uncertain significance (2). Last evaluated 2025-12-10.

Allele frequency attached by ClinVar (database versions not stated): gnomAD 0.00001; TOPMed 0.00001; gnomAD exomes below 0.00001; ExAC 0.00001.
gnomAD v4.1: 9 of 1,614,002 alleles (0.00056%); highest among the groups gnomAD compares: Admixed American, 0.005%; no homozygotes.

Submissions (2):

Ambry Genetics
Classification: Uncertain significance. Last evaluated: 2025-12-10. Review status: criteria provided, single submitter. Criteria: Ambry Variant Classification Scheme 2023. Collection method: clinical testing. Allele origin: germline.

Labcorp Genetics (formerly Invitae), Labcorp
Classification: Uncertain significance. Last evaluated: 2025-06-04. Review status: criteria provided, single submitter. Criteria: Invitae Variant Classification Sherloc (09022015). Collection method: clinical testing. Allele origin: germline.
Comment: This sequence change replaces tyrosine, which is neutral and polar, with histidine, which is basic and polar, at codon 768 of the DISP1 protein (p.Tyr768His). This variant is present in population databases (rs770065834, gnomAD 0.006%). This variant has not been reported in the literature in individuals affected with DISP1-related conditions. ClinVar contains an entry for this variant (Variation ID: 2976574). An algorithm developed to predict the effect of missense changes on protein structure and function (PolyPhen-2) suggests that this variant is likely to be tolerated. In summary, the available evidence is currently insufficient to determine the role of this variant in disease. Therefore, it has been classified as a Variant of Uncertain Significance.

NM_001377229.1(DISP1):c.2302T>C (p.Tyr768His)

Gene: DISP1 (dispatched RND transporter family member 1; plus strand). Cytogenetic location: 1q41.
Variant type: single nucleotide variant.
Coding change: c.2302T>C on transcript NM_001377229.1 (MANE Select); coding-DNA position 2302, T replaced by C.
Protein change: p.Tyr768His; replaces tyrosine 768 with histidine.
Molecular consequence: missense variant.
Genome position (GRCh38, 1-based): chr1:223,003,699, T>C. VCF-style: chr1-223003699-T-C. GRCh37 (hg19) VCF-style: chr1-223177041-T-C.
Other names: c.2302T>C, p.Tyr768His (NM_032890.5, NM_001369594.1, NM_001377228.1); c.1573T>C, p.Tyr525His (NM_001350630.2); c.2302T>C (NM_032890.3); short protein forms Y525H, Y768H.
Identifiers: ClinVar variation 2976574 (VCV002976574.4), dbSNP rs770065834, ClinGen allele CA1409221.